The following is an entry in ClinVar:

ClinVar aggregate classification (germline): Uncertain significance. Review status: criteria provided, multiple submitters, no conflicts (2 of 4 stars). 3 submissions from 3 submitters: Uncertain significance (3). Last evaluated 2025-05-28.

Conditions:
Hereditary cancer-predisposing syndrome. Also called: Hereditary neoplastic syndrome; Neoplastic Syndromes, Hereditary; Tumor predisposition; Hereditary Cancer Syndrome. Identifiers: Orphanet 140162, MedGen C0027672, MeSH D009386, MONDO:0015356.
Tuberous sclerosis 1 (TSC1). Identifiers: Orphanet 805, MedGen C1854465, MONDO:0008612, OMIM 191100.
Lymphangiomyomatosis (LAM). Also called: Lymphangioleiomyomatosis; Lymphangioleiomyomatosis, somatic. Identifiers: Orphanet 538, MedGen C0751674, MONDO:0011705, OMIM 606690.
Isolated focal cortical dysplasia type II (FCORD2). Also called: Focal cortical dysplasia type II; CORTICAL DYSPLASIA OF TAYLOR. Identifiers: Orphanet 268994, MedGen C1846385, MONDO:0011818, OMIM 607341, HP:0032051.

Allele frequency attached by ClinVar (database versions not stated): gnomAD exomes below 0.00001.
gnomAD v4.1: 1 of 1,614,112 alleles (0.000062%); highest among the groups gnomAD compares: Non-Finnish European, 0.000085%; no homozygotes.

Submissions (3):

Labcorp Genetics (formerly Invitae), Labcorp
Classification: Uncertain significance for Tuberous sclerosis 1. Last evaluated: 2025-05-28. Review status: criteria provided, single submitter. Criteria: Invitae Variant Classification Sherloc (09022015). Collection method: clinical testing. Allele origin: germline.
Comment: This sequence change replaces alanine, which is neutral and non-polar, with valine, which is neutral and non-polar, at codon 2 of the TSC1 protein (p.Ala2Val). This variant is not present in population databases (gnomAD no frequency). This variant has not been reported in the literature in individuals affected with TSC1-related conditions. ClinVar contains an entry for this variant (Variation ID: 1000666). Invitae Evidence Modeling of protein sequence and biophysical properties (such as structural, functional, and spatial information, amino acid conservation, physicochemical variation, residue mobility, and thermodynamic stability) indicates that this missense variant is not expected to disrupt TSC1 protein function with a negative predictive value of 95%. In summary, the available evidence is currently insufficient to determine the role of this variant in disease. Therefore, it has been classified as a Variant of Uncertain Significance.

Fulgent Genetics
Classification: Uncertain significance for Tuberous sclerosis 1; Lymphangiomyomatosis; Isolated focal cortical dysplasia type II. Last evaluated: 2022-05-17. Review status: criteria provided, single submitter. Criteria: ACMG Guidelines, 2015. Collection method: clinical testing. Allele origin: unknown.

Ambry Genetics
Classification: Uncertain significance for Hereditary cancer-predisposing syndrome. Last evaluated: 2020-12-17. Review status: criteria provided, single submitter. Criteria: Ambry Variant Classification Scheme 2023. Collection method: clinical testing. Allele origin: germline.
Comment: The p.A2V variant (also known as c.5C>T), located in coding exon 1 of the TSC1 gene, results from a C to T substitution at nucleotide position 5. The alanine at codon 2 is replaced by valine, an amino acid with similar properties. This amino acid position is well conserved in available vertebrate species. In addition, the in silico prediction for this alteration is inconclusive. Since supporting evidence is limited at this time, the clinical significance of this alteration remains unclear.

NM_000368.5(TSC1):c.5C>T (p.Ala2Val)

Gene: TSC1 (TSC complex subunit 1; minus strand). Cytogenetic location: 9q34.13.
Variant type: single nucleotide variant.
Coding change: c.5C>T on transcript NM_000368.5 (MANE Select); coding-DNA position 5, C replaced by T.
Protein change: p.Ala2Val; replaces alanine 2 with valine.
Molecular consequence: missense variant. On other transcripts: 5 prime UTR variant (1).
Genome position (GRCh38, 1-based): chr9:132,928,868, G>A on the plus strand (C>T on the coding strand, the complement: TSC1 is on the minus strand). VCF-style: chr9-132928868-G-A. GRCh37 (hg19) VCF-style: chr9-135804255-G-A.
Other names: c.5C>T, p.Ala2Val (NM_001162426.2, NM_001162427.2); c.-255C>T (NM_001362177.2); short protein forms A2V.
Identifiers: ClinVar variation 1000666 (VCV001000666.12), dbSNP rs1588363746, ClinGen allele CA375375467.